The following is an entry in ClinVar:

NM_000038.6(APC):c.5852del (p.Leu1951fs)

Gene: APC (APC regulator of Wnt signaling pathway; plus strand). Cytogenetic location: 5q22.2.
Variant type: Deletion.
Coding change: c.5852del on transcript NM_000038.6 (MANE Select); coding-DNA position 5852, one base deleted (T; older notation c.5852delT).
Protein change: p.Leu1951fs; shifts the reading frame from leucine 1951.
Molecular consequence: frameshift variant. On other transcripts: non-coding transcript variant (2).
Genome position (GRCh38, 1-based): chr5:112,841,446, T deleted; the last of 2 consecutive T bases (chr5:112,841,445-112,841,446); deleting either gives the same sequence. VCF-style (leftmost placement, unchanged base first): chr5-112841444-GT-G. GRCh37 (hg19) VCF-style: chr5-112177141-GT-G.
Other names: c.5003del, p.Leu1668fs (NM_001354906.2, NM_001407470.1); c.5936del, p.Leu1979fs (NM_001407446.1); c.5906del, p.Leu1969fs (NM_001407447.1, NM_001407448.1, NM_001407449.1 and 1 more transcripts); c.5852del, p.Leu1951fs (NM_001407450.1, NM_001127510.3, NM_001354895.2); c.5831del, p.Leu1944fs (NM_001407451.1); c.5822del, p.Leu1941fs (NM_001407452.1); c.5675del, p.Leu1892fs (NM_001407453.1, NM_001354901.2); c.5603del, p.Leu1868fs (NM_001407454.1, NM_001407455.1, NM_001407456.1 and 1 more transcripts); and 11 more; short protein forms L1567fs, L1668fs, L1791fs, L1822fs, L1825fs, L1850fs, L1860fs, L1868fs.
Identifiers: ClinVar variation 2584060 (VCV002584060.1), dbSNP rs2533672232, ClinGen allele CA913187456.

ClinVar aggregate classification (germline): Pathogenic (1 of 4 stars; one submission).

Conditions:
Familial adenomatous polyposis 1 (FAP1). Also called: FAMILIAL ADENOMATOUS POLYPOSIS 1, ATTENUATED; POLYPOSIS, ADENOMATOUS INTESTINAL. Identifiers: MedGen C2713442, MONDO:0021056, OMIM 175100. Disease mechanism: loss of function.

Submission:

Myriad Genetics, Inc.
Classification: Pathogenic for Familial adenomatous polyposis 1. Last evaluated: 2023-05-15. Review status: criteria provided, single submitter. Criteria: Myriad Autosomal Dominant, Autosomal Recessive and X-Linked Classification Criteria (2023). Collection method: clinical testing. Allele origin: unknown.
Comment: This variant is considered pathogenic. This variant creates a frameshift predicted to result in premature protein truncation.